The following is an entry in ClinVar:

NM_001378615.1(CC2D2A):c.152T>C (p.Val51Ala)

Genes: CC2D2A (coiled-coil and C2 domain containing 2A; plus strand), FBXL5 (F-box and leucine rich repeat protein 5; minus strand). Cytogenetic location: 4p15.32.
Variant type: single nucleotide variant.
Coding change: c.152T>C on transcript NM_001378615.1 (MANE Select); coding-DNA position 152, T replaced by C.
Protein change: p.Val51Ala; replaces valine 51 with alanine.
Molecular consequence: missense variant. On other transcripts: synonymous variant (1).
Genome position (GRCh38, 1-based): chr4:15,480,732, T>C. VCF-style: chr4-15480732-T-C. GRCh37 (hg19) VCF-style: chr4-15482356-T-C.
Other names: c.152T>C, p.Val51Ala (NM_001080522.2, NM_001164720.3); c.5T>C, p.Val2Ala (NM_001378617.1); c.258T>C, p.Gly86= (NM_020785.2); short protein forms V51A, V2A.
Identifiers: ClinVar variation 1498173 (VCV001498173.9), dbSNP rs375163284, ClinGen allele CA2863293.

ClinVar aggregate classification (germline): Uncertain significance. Review status: criteria provided, multiple submitters, no conflicts (2 of 4 stars). 2 submissions from 2 submitters: Uncertain significance (2). Last evaluated 2024-01-23.

Conditions:
Joubert syndrome. Also called: JOUBERT-BOLTSHAUSER SYNDROME; Familial aplasia of the vermis. Identifiers: Orphanet 475, MedGen C5979921, MONDO:0018772.
Meckel-Gruber syndrome. Also called: DYSENCEPHALIA SPLANCHNOCYSTICA; GRUBER SYNDROME; Dysencephalia splachnocystica. Identifiers: Orphanet 564, MedGen C0265215, MONDO:0018921.
Inborn genetic diseases. Identifiers: MedGen C0950123, MeSH D030342.

Allele frequency attached by ClinVar (database versions not stated): gnomAD exomes below 0.00001; ExAC 0.00001; gnomAD 0.00001 and 0.00002; TOPMed 0.00001; ESP Exome Variant Server 0.00008.

Submissions (2):

Ambry Genetics
Classification: Uncertain significance for Inborn genetic diseases. Last evaluated: 2024-01-23. Review status: criteria provided, single submitter. Criteria: Ambry Variant Classification Scheme 2023. Collection method: clinical testing. Allele origin: germline.

Labcorp Genetics (formerly Invitae), Labcorp
Classification: Uncertain significance for Joubert syndrome; Meckel-Gruber syndrome. Last evaluated: 2022-03-19. Review status: criteria provided, single submitter. Criteria: Invitae Variant Classification Sherloc (09022015). Collection method: clinical testing. Allele origin: germline.
Comment: In summary, the available evidence is currently insufficient to determine the role of this variant in disease. Therefore, it has been classified as a Variant of Uncertain Significance. Advanced modeling of protein sequence and biophysical properties (such as structural, functional, and spatial information, amino acid conservation, physicochemical variation, residue mobility, and thermodynamic stability) performed at Invitae indicates that this missense variant is not expected to disrupt CC2D2A protein function. This variant has not been reported in the literature in individuals affected with CC2D2A-related conditions. This variant is present in population databases (rs375163284, gnomAD 0.007%). This sequence change replaces valine, which is neutral and non-polar, with alanine, which is neutral and non-polar, at codon 51 of the CC2D2A protein (p.Val51Ala).